The following is an entry in ClinVar:

ClinVar aggregate classification (germline): Conflicting classifications of pathogenicity. Review status: criteria provided, conflicting classifications (1 of 4 stars). 2 submissions from 2 submitters: Pathogenic (1); Uncertain significance (1). Last evaluated 2025-09-30.

Conditions:
Au-Kline syndrome. Also called: Okamoto syndrome; Neurodevelopmental disorder-craniofacial dysmorphism-cardiac defect-hip dysplasia syndrome due to a point mutation. Identifiers: Orphanet 2729, Orphanet 453499, Orphanet 453504, MedGen C4225274, MONDO:0014700, OMIM 616580.

Submissions (2):

MVZ Martinsried, Medicover Genetics
Classification: Uncertain significance for Au-Kline syndrome. Last evaluated: 2025-09-30. Review status: criteria provided, single submitter. Criteria: ClinGen Variant Curation SOP V3.2 + Classification Guidance July2025. Collection method: clinical testing. Allele origin: unknown. Affected: yes. Observed: 1 heterozygote.

GeneDx
Classification: Pathogenic. Last evaluated: 2024-11-05. Review status: criteria provided, single submitter. Criteria: GeneDx Variant Classification Process June 2021. Collection method: clinical testing. Allele origin: germline. Affected: yes.
Comment: Not observed at significant frequency in large population cohorts (gnomAD); In silico analysis supports that this missense variant has a deleterious effect on protein structure/function; Has not been previously published as pathogenic or benign to our knowledge

NM_031263.4(HNRNPK):c.256C>T (p.Arg86Cys)

Genes: HNRNPK (heterogeneous nuclear ribonucleoprotein K; minus strand), HNRNPK-AS1 (HNRNPK antisense RNA 1; plus strand). Cytogenetic location: 9q21.32.
Variant type: single nucleotide variant.
Coding change: c.256C>T on transcript NM_031263.4 (MANE Select); coding-DNA position 256, C replaced by T.
Protein change: p.Arg86Cys; replaces arginine 86 with cysteine.
Molecular consequence: missense variant. On other transcripts: non-coding transcript variant (1).
Genome position (GRCh38, 1-based): chr9:83,975,463, G>A on the plus strand (C>T on the coding strand, the complement: HNRNPK is on the minus strand). VCF-style: chr9-83975463-G-A. GRCh37 (hg19) VCF-style: chr9-86590378-G-A.
Other names: c.256C>T, p.Arg86Cys (NM_001318186.2, NM_001318187.2, NM_001318188.2 and 2 more transcripts); short protein forms R86C.
Identifiers: ClinVar variation 3897245 (VCV003897245.2).